The following is an entry in ClinVar:

NM_000083.3(CLCN1):c.277G>A (p.Glu93Lys)

Gene: CLCN1 (chloride voltage-gated channel 1; plus strand). Cytogenetic location: 7q34.
Variant type: single nucleotide variant.
Coding change: c.277G>A on transcript NM_000083.3 (MANE Select); coding-DNA position 277, G replaced by A.
Protein change: p.Glu93Lys; replaces glutamic acid 93 with lysine.
Molecular consequence: missense variant. On other transcripts: non-coding transcript variant (1).
Genome position (GRCh38, 1-based): chr7:143,319,851, G>A. VCF-style: chr7-143319851-G-A. GRCh37 (hg19) VCF-style: chr7-143016944-G-A.
Other names: short protein forms E93K.
Identifiers: ClinVar variation 2154866 (VCV002154866.4), dbSNP rs1391542845, ClinGen allele CA369680995.

ClinVar aggregate classification (germline): Uncertain significance (1 of 4 stars; one submission).

Conditions:
Congenital myotonia, autosomal recessive form. Also called: BECKER DISEASE; Becker Generalized Myotonia; myotonia congenita, autosomal recessive. Identifiers: Orphanet 614, MedGen C0751360, MONDO:0009715, OMIM 255700.
Congenital myotonia, autosomal dominant form (THD). Also called: THOMSEN DISEASE; Myotonia congenita autosomal dominant. Identifiers: Orphanet 614, MedGen C2936781, MONDO:0008055, OMIM 160800.

Allele frequency attached by ClinVar (database versions not stated): gnomAD exomes below 0.00001.
gnomAD v4.1: 3 of 1,613,916 alleles (0.00019%); highest among the groups gnomAD compares: East Asian, 0.0067%; no homozygotes.

Submission:

Labcorp Genetics (formerly Invitae), Labcorp
Classification: Uncertain significance for Congenital myotonia, autosomal recessive form; Congenital myotonia, autosomal dominant form. Last evaluated: 2022-09-22. Review status: criteria provided, single submitter. Criteria: Invitae Variant Classification Sherloc (09022015). Collection method: clinical testing. Allele origin: germline.
Comment: In summary, the available evidence is currently insufficient to determine the role of this variant in disease. Therefore, it has been classified as a Variant of Uncertain Significance. Algorithms developed to predict the effect of sequence changes on RNA splicing suggest that this variant may disrupt the consensus splice site. Algorithms developed to predict the effect of missense changes on protein structure and function (SIFT, PolyPhen-2, Align-GVGD) all suggest that this variant is likely to be tolerated. This variant has not been reported in the literature in individuals affected with CLCN1-related conditions. This variant is present in population databases (no rsID available, gnomAD 0.006%). This sequence change replaces glutamic acid, which is acidic and polar, with lysine, which is basic and polar, at codon 93 of the CLCN1 protein (p.Glu93Lys).